The following is an entry in ClinVar:

ClinVar aggregate classification (germline): Uncertain significance (1 of 4 stars; one submission).

Allele frequency attached by ClinVar (database versions not stated): TOPMed below 0.00001.
gnomAD v4.1: 3 of 1,614,200 alleles (0.00019%); highest among the groups gnomAD compares: Non-Finnish European, 0.00025%; no homozygotes.

Submission:

Labcorp Genetics (formerly Invitae), Labcorp
Classification: Uncertain significance. Last evaluated: 2022-11-24. Review status: criteria provided, single submitter. Criteria: Invitae Variant Classification Sherloc (09022015). Collection method: clinical testing. Allele origin: germline.
Comment: In summary, the available evidence is currently insufficient to determine the role of this variant in disease. Therefore, it has been classified as a Variant of Uncertain Significance. This sequence change replaces isoleucine, which is neutral and non-polar, with valine, which is neutral and non-polar, at codon 535 of the TNFAIP3 protein (p.Ile535Val). Advanced modeling of protein sequence and biophysical properties (such as structural, functional, and spatial information, amino acid conservation, physicochemical variation, residue mobility, and thermodynamic stability) performed at Invitae indicates that this missense variant is not expected to disrupt TNFAIP3 protein function. This variant has not been reported in the literature in individuals affected with TNFAIP3-related conditions. This variant is not present in population databases (gnomAD no frequency).

NM_001270508.2(TNFAIP3):c.1603A>G (p.Ile535Val)

Gene: TNFAIP3 (TNF alpha induced protein 3; plus strand). Cytogenetic location: 6q23.3.
Variant type: single nucleotide variant.
Coding change: c.1603A>G on transcript NM_001270508.2 (MANE Select); coding-DNA position 1603, A replaced by G.
Protein change: p.Ile535Val; replaces isoleucine 535 with valine.
Molecular consequence: missense variant.
Genome position (GRCh38, 1-based): chr6:137,879,048, A>G. VCF-style: chr6-137879048-A-G. GRCh37 (hg19) VCF-style: chr6-138200185-A-G.
Other names: c.1603A>G, p.Ile535Val (NM_001270507.2, NM_006290.4); short protein forms I535V.
Identifiers: ClinVar variation 2958026 (VCV002958026.3), dbSNP rs1776350428, ClinGen allele CA365793086.
Genomic context (GRCh38, chr6:137,879,048, plus strand): 5'-CACTTGGATCCCGGGAAGTGCCAAGCCTGCCTCCAGGATGTTACCAGGACATTTAATGGG[A>G]TCTGCAGTACTTGCTTCAAAAGGACTACAGCAGAGGCCTCCTCCAGCCTCAGCACCAGCC-3'
Protein context (NP_001257437.1, residues 525-545): LQDVTRTFNG[Ile535Val]CSTCFKRTTA